The following is an entry in ClinVar:

NM_000051.4(ATM):c.6573A>G (p.Arg2191=)

Genes: ATM (ATM serine/threonine kinase; plus strand), C11orf65 (chromosome 11 open reading frame 65; minus strand). Cytogenetic location: 11q22.3.
Variant type: single nucleotide variant.
Coding change: c.6573A>G on transcript NM_000051.4 (MANE Select); coding-DNA position 6573, A replaced by G.
Protein change: p.Arg2191=; no amino-acid change (arginine 2191 retained).
Molecular consequence: synonymous variant. On other transcripts: intron variant (2).
Genome position (GRCh38, 1-based): chr11:108,325,310, A>G. VCF-style: chr11-108325310-A-G. GRCh37 (hg19) VCF-style: chr11-108196037-A-G.
Other names: c.6573A>G, p.Arg2191= (NM_001351834.2); c.641-16239T>C (NM_001330368.2); c.*38+9910T>C (NM_001351110.2).
Identifiers: ClinVar variation 582705 (VCV000582705.15), dbSNP rs1565518004, ClinGen allele CA476744992.

ClinVar aggregate classification (germline): Conflicting classifications of pathogenicity. Review status: criteria provided, conflicting classifications (1 of 4 stars). 4 submissions from 4 submitters: Uncertain significance (1); Likely benign (3). Last evaluated 2025-12-29.

Conditions:
Hereditary cancer-predisposing syndrome. Also called: Hereditary Cancer Syndrome; Neoplastic Syndromes, Hereditary; Tumor predisposition; Hereditary neoplastic syndrome. Identifiers: Orphanet 140162, MedGen C0027672, MeSH D009386, MONDO:0015356.
Ataxia-telangiectasia syndrome (AT). Also called: Cerebello-oculocutaneous telangiectasia; Immunodeficiency with ataxia telangiectasia; Ataxia-telangiectasia, complementation group E; Ataxia-telangiectasia, complementation group D; AT, COMPLEMENTATION GROUP C; ATAXIA-TELANGIECTASIA, COMPLEMENTATION GROUP A. Identifiers: Orphanet 100, MedGen C0004135, MONDO:0008840, OMIM 208900.

Submissions (4):

Center for Genomic Medicine, Rigshospitalet, Copenhagen University Hospital
Classification: Likely benign. Last evaluated: 2025-12-29. Review status: criteria provided, single submitter. Criteria: ACMG Guidelines, 2015. Collection method: clinical testing. Allele origin: germline.

Ambry Genetics
Classification: Likely benign for Hereditary cancer-predisposing syndrome. Last evaluated: 2024-03-27. Review status: criteria provided, single submitter. Criteria: Ambry Variant Classification Scheme 2023. Collection method: clinical testing. Allele origin: germline.

Labcorp Genetics (formerly Invitae), Labcorp
Classification: Uncertain significance for Ataxia-telangiectasia syndrome. Last evaluated: 2023-09-25. Review status: criteria provided, single submitter. Criteria: Invitae Variant Classification Sherloc (09022015). Collection method: clinical testing. Allele origin: germline.
Comment: Algorithms developed to predict the effect of sequence changes on RNA splicing suggest that this variant is not likely to affect RNA splicing. This sequence change affects codon 2191 of the ATM mRNA. It is a 'silent' change, meaning that it does not change the encoded amino acid sequence of the ATM protein. It affects a nucleotide within the consensus splice site. This variant is not present in population databases (gnomAD no frequency). This variant has not been reported in the literature in individuals affected with ATM-related conditions. ClinVar contains an entry for this variant (Variation ID: 582705). In summary, the available evidence is currently insufficient to determine the role of this variant in disease. Therefore, it has been classified as a Variant of Uncertain Significance.

Color Diagnostics, LLC DBA Color Health
Classification: Likely benign for Hereditary cancer-predisposing syndrome. Last evaluated: 2020-02-24. Review status: criteria provided, single submitter. Criteria: ACMG Guidelines, 2015. Collection method: clinical testing. Allele origin: germline.